The following is an entry in ClinVar:

ClinVar aggregate classification (germline): Pathogenic/Likely pathogenic. Review status: criteria provided, multiple submitters, no conflicts (2 of 4 stars). 2 submissions from 2 submitters: Pathogenic (1); Likely pathogenic (1). Last evaluated 2023-02-01.

Conditions:
CSPP1-related disorder. Also called: CSPP1-related condition.

Allele frequency attached by ClinVar (database versions not stated): ExAC 0.00003.
gnomAD v4.1: 13 of 1,613,000 alleles (0.00081%); highest among the groups gnomAD compares: Non-Finnish European, 0.0011%; no homozygotes.

Submissions (2):

GeneDx
Classification: Pathogenic. Last evaluated: 2023-02-01. Review status: criteria provided, single submitter. Criteria: GeneDx Variant Classification Process June 2021. Collection method: clinical testing. Allele origin: germline. Affected: yes.
Comment: Nonsense variant predicted to result in protein truncation or nonsense mediated decay in a gene for which loss of function is a known mechanism of disease; Not observed at significant frequency in large population cohorts (gnomAD); Identified in a cohort of individuals with inherited retinal diseases, although additional segregation and clinical information was not provided (Hanany M et al., 2020); This variant is associated with the following publications: (PMID: 31964843)

Blueprint Genetics
Classification: Likely pathogenic for CSPP1-related disorders. Last evaluated: 2021-06-21. Review status: criteria provided, single submitter. Criteria: ACMG Guidelines, 2015. Collection method: clinical testing. Allele origin: germline. Affected: yes. Observed: 2 variant alleles.

NM_001382391.1(CSPP1):c.2899C>T (p.Gln967Ter)

Gene: CSPP1 (centrosome and spindle pole associated protein 1; plus strand). Cytogenetic location: 8q13.2.
Variant type: single nucleotide variant.
Coding change: c.2899C>T on transcript NM_001382391.1 (MANE Select); coding-DNA position 2899, C replaced by T.
Protein change: p.Gln967Ter; replaces glutamine 967 with a stop codon.
Molecular consequence: nonsense.
Genome position (GRCh38, 1-based): chr8:67,172,486, C>T. VCF-style: chr8-67172486-C-T. GRCh37 (hg19) VCF-style: chr8-68084721-C-T.
Other names: c.1849C>T, p.Gln617Ter (NM_001291339.2); c.2818C>T, p.Gln940Ter (NM_001363131.2); c.2704C>T, p.Gln902Ter (NM_001363132.2); c.2623C>T, p.Gln875Ter (NM_001363133.2); c.2965C>T, p.Gln989Ter (NM_001364869.1); c.2785C>T, p.Gln929Ter (NM_001364870.1); c.2884C>T, p.Gln962Ter (NM_024790.7); short protein forms Q617*, Q875*, Q902*, Q929*, Q940*, Q962*, Q967*, Q989*.
Identifiers: ClinVar variation 2574787 (VCV002574787.2), dbSNP rs773825078, ClinGen allele CA4770983.